The following is an entry in ClinVar:

ClinVar aggregate classification (germline): Conflicting classifications of pathogenicity. Review status: criteria provided, conflicting classifications (1 of 4 stars). 8 submissions from 8 submitters: Uncertain significance (3); Benign (1); Likely benign (3). 1 of the submissions does not count toward it. Last evaluated 2025-09-08.

Conditions:
KMT2D-related disorder. Also called: KMT2D-Related Disorders.
Inborn genetic diseases. Identifiers: MedGen C0950123, MeSH D030342.
Kabuki syndrome. Also called: Kabuki make-up syndrome; NIIKAWA-KUROKI SYNDROME. Identifiers: Orphanet 2322, MedGen C0796004, MONDO:0016512.
Kabuki syndrome 1 (KABUK1). Also called: KMT2D-Related Kabuki Syndrome. Identifiers: Orphanet 2322, MedGen CN030661, MONDO:0007843, OMIM 147920.

Allele frequency attached by ClinVar (database versions not stated): gnomAD 0.00001; TOPMed 0.00001; gnomAD exomes 0.00002 and 0.00003.
gnomAD v4.1: 53 of 1,613,752 alleles (0.0033%); highest among the groups gnomAD compares: Non-Finnish European, 0.0043%; no homozygotes.

Submissions (8):

Labcorp Genetics (formerly Invitae), Labcorp
Classification: Benign for Kabuki syndrome. Last evaluated: 2025-09-08. Review status: criteria provided, single submitter. Criteria: Invitae Variant Classification Sherloc (09022015). Collection method: clinical testing. Allele origin: germline.

Blueprint Genetics
Classification: Likely benign. Last evaluated: 2024-05-29. Review status: criteria provided, single submitter. Criteria: ACMG Guidelines, 2015. Collection method: clinical testing. Allele origin: germline.

Ambry Genetics
Classification: Likely benign for Inborn genetic diseases. Last evaluated: 2022-01-10. Review status: criteria provided, single submitter. Criteria: Ambry Variant Classification Scheme 2023. Collection method: clinical testing. Allele origin: germline.

ARUP Laboratories, Molecular Genetics and Genomics, ARUP Laboratories
Classification: Uncertain significance for Kabuki syndrome 1. Last evaluated: 2020-06-11. Review status: criteria provided, single submitter. Criteria: ARUP Molecular Germline Variant Investigation Process. Collection method: clinical testing. Allele origin: germline.
Comment: The KMT2D c.7998C>A; p.Asp2666Glu variant (rs1258008817), to our knowledge, is not reported in the medical literature but is reported in ClinVar (Variation ID: 447672). This variant is found in the general population with an overall allele frequency of 0.0029% (8/280302 alleles) in the Genome Aggregation Database. The aspartic acid at codon 2666 is moderately conserved, and computational analyses (SIFT, PolyPhen-2) predict that this variant is deleterious. Due to limited information, the clinical significance of the p.Asp2666Glu variant is uncertain at this time.

Eurofins Ntd Llc (ga)
Classification: Uncertain significance. Last evaluated: 2017-12-22. Review status: criteria provided, single submitter. Criteria: EGL Classification Definitions 2015. Collection method: clinical testing. Allele origin: germline. Observed: 1 variant allele, 1 heterozygote.

Athena Diagnostics
Classification: Uncertain significance. Last evaluated: 2016-12-01. Review status: criteria provided, single submitter. Criteria: Athena Diagnostics Criteria. Collection method: clinical testing. Allele origin: germline.

Center for Human Genetics, Inc
Classification: Likely benign for Kabuki syndrome 1. Last evaluated: 2016-11-01. Review status: criteria provided, single submitter. Criteria: ACMG Guidelines, 2015. Collection method: clinical testing. Allele origin: germline. Affected: yes.

PreventionGenetics, part of Exact Sciences
Classification: Likely benign for KMT2D-related condition. Last evaluated: 2023-01-06. Review status: no assertion criteria provided. Collection method: clinical testing. Allele origin: germline. Not counted in ClinVar's aggregate classification.
Comment: This variant is classified as likely benign based on ACMG/AMP sequence variant interpretation guidelines (Richards et al. 2015 PMID: 25741868, with internal and published modifications).

NM_003482.4(KMT2D):c.7998C>A (p.Asp2666Glu)

Gene: KMT2D (lysine methyltransferase 2D; minus strand). Cytogenetic location: 12q13.12.
Variant type: single nucleotide variant.
Coding change: c.7998C>A on transcript NM_003482.4 (MANE Select); coding-DNA position 7998, C replaced by A.
Protein change: p.Asp2666Glu; replaces aspartic acid 2666 with glutamic acid.
Molecular consequence: missense variant.
Genome position (GRCh38, 1-based): chr12:49,039,772, G>T on the plus strand (C>A on the coding strand, the complement: KMT2D is on the minus strand). VCF-style: chr12-49039772-G-T. GRCh37 (hg19) VCF-style: chr12-49433555-G-T.
Other names: short protein forms D2666E.
Identifiers: ClinVar variation 447672 (VCV000447672.22), dbSNP rs1258008817, ClinGen allele CA384745891.
Genomic context (GRCh38, chr12:49,039,772, plus strand): 5'-GTGTCAACTTACCTGCCGTTGCTTCTCCAGCTCTGTTTGGCTAAGGCCGGACATGCCTGG[G>T]TCCTGGGTACCTGGGAGTTCAGCTGTCGCCAAAGAGCTACCCATTCCAGTCCCTGGGTCT-3'
Protein context (NP_003473.3, residues 2656-2676): LATAELPGTQ[Asp2666Glu]PGMSGLSQTE